The following is an entry in ClinVar:

NM_004369.4(COL6A3):c.8652C>T (p.Thr2884=)

Gene: COL6A3 (collagen type VI alpha 3 chain; minus strand). Cytogenetic location: 2q37.3.
Variant type: single nucleotide variant.
Coding change: c.8652C>T on transcript NM_004369.4 (MANE Select); coding-DNA position 8652, C replaced by T.
Protein change: p.Thr2884=; no amino-acid change (threonine 2884 retained).
Molecular consequence: synonymous variant.
Genome position (GRCh38, 1-based): chr2:237,336,448, G>A on the plus strand (C>T on the coding strand, the complement: COL6A3 is on the minus strand). VCF-style: chr2-237336448-G-A. GRCh37 (hg19) VCF-style: chr2-238245091-G-A.
Other names: c.6831C>T, p.Thr2277= (NM_057166.5); c.8034C>T, p.Thr2678= (NM_057167.4).
Identifiers: ClinVar variation 2652038 (VCV002652038.22), dbSNP rs2469792800, ClinGen allele CA431702553.
Genomic context (GRCh38, chr2:237,336,448, plus strand): 5'-AGATGGCTGATTTATAATAGTCACAGGCTTTGTTGTGGTGGTTACAGGCTTTGTTGTGGT[G>A]GTCACCGGCTTCGTCGTAGTCACCGGCTTCGTTGTCGTCACTGGGTTGGATGTAGGACTT-3'
Protein context (NP_004360.2, residues 2874-2894): TKPVTTTKPV[Thr2884=]TTTKPVTTTT

ClinVar aggregate classification (germline): Likely benign (1 of 4 stars; one submission).

Submission:

CeGaT Center for Human Genetics Tuebingen
Classification: Likely benign. Last evaluated: 2022-12-01. Review status: criteria provided, single submitter. Criteria: CeGaT Center For Human Genetics Tuebingen Variant Classification Criteria Version 2. Collection method: clinical testing. Allele origin: germline. Affected: yes. Observed: 1 variant allele.
Comment: COL6A3: PM2:Supporting, BP4, BP7